The following is an entry in ClinVar:

NM_001943.5(DSG2):c.2484T>C (p.Asp828=)

Genes: DSG2-AS1 (DSG2 antisense RNA 1; minus strand), DSG2 (desmoglein 2; plus strand). Cytogenetic location: 18q12.1.
Variant type: single nucleotide variant.
Coding change: c.2484T>C on transcript NM_001943.5 (MANE Select); coding-DNA position 2484, T replaced by C.
Protein change: p.Asp828=; no amino-acid change (aspartic acid 828 retained).
Molecular consequence: synonymous variant. On other transcripts: non-coding transcript variant (1).
Genome position (GRCh38, 1-based): chr18:31,545,870, T>C. VCF-style: chr18-31545870-T-C. GRCh37 (hg19) VCF-style: chr18-29125833-T-C.
Identifiers: ClinVar variation 178020 (VCV000178020.42), dbSNP rs201051252, ClinGen allele CA021800.

ClinVar aggregate classification (germline): Conflicting classifications of pathogenicity. Review status: criteria provided, conflicting classifications (1 of 4 stars). 15 submissions from 15 submitters: Uncertain significance (1); Benign (7); Likely benign (2). 5 of the submissions do not count toward it. Last evaluated 2026-09-01.

Conditions:
Cardiovascular phenotype. Identifiers: MedGen CN230736.
Cardiomyopathy (CMYO). Also called: Cardiomyopathies. Identifiers: Orphanet 167848, MedGen C0878544, MONDO:0004994, HP:0001638. Inheritance: Various modes of inheritance.
Arrhythmogenic right ventricular cardiomyopathy (ARVD). Also called: Arrhythmogenic cardiomyopathy; Arrhythmogenic Right Ventricular Cardiomyopathy (ARVC); Cardiomyopathy, ARVC; Arrhythmogenic right ventricular dysplasia. Identifiers: Orphanet 247, MedGen C0349788, MeSH D019571, MONDO:0016587. Disease mechanism: loss of function. Inheritance: Various modes of inheritance.
Arrhythmogenic right ventricular dysplasia 10. Also called: Arrhythmogenic right ventricular dysplasia/cardiomyopathy, type 10; ARRHYTHMOGENIC RIGHT VENTRICULAR DYSPLASIA, FAMILIAL, 10; Arrhythmogenic Right Ventricular Dysplasia/Cardiomyopathy10. Identifiers: MedGen C1857777, MONDO:0012434, OMIM 610193.

Allele frequency attached by ClinVar (database versions not stated): ExAC 0.00064; gnomAD 0.00199 and 0.00217; 1000 Genomes Project 0.00200; ESP Exome Variant Server 0.00202; 1000 Genomes Project 30x 0.00203; TOPMed 0.00261; gnomAD exomes 0.00017 and 0.00048.
gnomAD v4.1: 577 of 1,614,108 alleles (0.036%); highest among the groups gnomAD compares: African/African-American, 0.68%; 4 homozygotes.

Submissions (15):

CeGaT Center for Human Genetics Tuebingen
Classification: Likely benign. Last evaluated: 2026-09-01. Review status: criteria provided, single submitter. Criteria: CeGaT Center For Human Genetics Tuebingen Variant Classification Criteria Version 2. Collection method: clinical testing. Allele origin: germline. Affected: yes. Observed: 2 variant alleles.
Comment: DSG2: BP4, BP7

Labcorp Genetics (formerly Invitae), Labcorp
Classification: Benign for Arrhythmogenic right ventricular dysplasia 10. Last evaluated: 2026-01-28. Review status: criteria provided, single submitter. Criteria: Invitae Variant Classification Sherloc (09022015). Collection method: clinical testing. Allele origin: germline.

Molecular Diagnostic Laboratory for Inherited Cardiovascular Disease, Montreal Heart Institute
Classification: Benign. Last evaluated: 2025-04-09. Review status: criteria provided, single submitter. Criteria: ACMG Guidelines, 2015. Collection method: clinical testing. Allele origin: germline. Affected: no.

Blueprint Genetics
Classification: Likely benign. Last evaluated: 2024-10-29. Review status: criteria provided, single submitter. Criteria: ACMG Guidelines, 2015. Collection method: clinical testing. Allele origin: germline.

All of Us Research Program, National Institutes of Health
Classification: Benign for Arrhythmogenic right ventricular cardiomyopathy. Last evaluated: 2024-02-05. Review status: criteria provided, single submitter. Criteria: ACMG Guidelines, 2015. Collection method: clinical testing. Allele origin: germline. Inheritance: Autosomal dominant inheritance. Observed: 112 variant alleles, 112 heterozygotes.
Comment: This study involves interpretation of variants in research participants for the purpose of population health screening. Participant phenotype was not available at the time of variant classification. Additional details can be found in publication PMID: 35346344, PMCID: PMC8962531

Color Diagnostics, LLC DBA Color Health
Classification: Benign for Cardiomyopathy. Last evaluated: 2018-11-08. Review status: criteria provided, single submitter. Criteria: ACMG Guidelines, 2015. Collection method: clinical testing. Allele origin: germline.

Illumina Laboratory Services, Illumina
Classification: Uncertain significance for Arrhythmogenic right ventricular dysplasia 10. Last evaluated: 2017-04-27. Review status: criteria provided, single submitter. Criteria: ICSL Variant Classification Criteria 13 December 2019. Collection method: clinical testing. Allele origin: germline.

Ambry Genetics
Classification: Benign for Cardiovascular phenotype. Last evaluated: 2015-06-03. Review status: criteria provided, single submitter. Criteria: Ambry Variant Classification Scheme 2023. Collection method: clinical testing. Allele origin: germline.

GeneDx
Classification: Benign. Last evaluated: 2015-03-03. Review status: criteria provided, single submitter. Criteria: GeneDx Variant Classification Process June 2021. Collection method: clinical testing. Allele origin: germline. Affected: yes.

Laboratory for Molecular Medicine, Mass General Brigham Personalized Medicine
Classification: Benign. Last evaluated: 2012-03-19. Review status: criteria provided, single submitter. Criteria: LMM Criteria. Collection method: clinical testing. Allele origin: germline. Observed: 4 variant alleles.
Comment: p.Asp828Asp in Exon 15 of DSG2: This variant is not expected to have clinical si gnificance because it does not alter an amino acid residue, is not located withi n the splice consensus sequence and has been identified in 0.6% (18/2984) of Afr ican American chromosomes from a broad population by the NHLBI Exome Sequencing Project.

Cohesion Phenomics
Classification: Likely benign for Cardiomyopathy. Last evaluated: 2022-09-23. Review status: no assertion criteria provided. Criteria: ACMG Guidelines, 2015. Collection method: clinical testing. Allele origin: germline. Affected: yes. Not counted in ClinVar's aggregate classification.

Clinical Genetics DNA and cytogenetics Diagnostics Lab, Erasmus MC, Erasmus Medical Center
Classification: Likely benign. Review status: no assertion criteria provided. Collection method: clinical testing. Allele origin: germline. Affected: yes. Study: VKGL Data-share Consensus. Not counted in ClinVar's aggregate classification.

Clinical Genetics, Academic Medical Center
Classification: Benign. Review status: no assertion criteria provided. Collection method: clinical testing. Allele origin: germline. Affected: yes. Study: VKGL Data-share Consensus. Not counted in ClinVar's aggregate classification.

Diagnostic Laboratory, Department of Genetics, University Medical Center Groningen
Classification: Likely benign. Review status: no assertion criteria provided. Collection method: clinical testing. Allele origin: germline. Affected: yes. Study: VKGL Data-share Consensus. Not counted in ClinVar's aggregate classification.

Joint Genome Diagnostic Labs from Nijmegen and Maastricht, Radboudumc and MUMC+
Classification: Likely benign. Review status: no assertion criteria provided. Collection method: clinical testing. Allele origin: germline. Affected: yes. Study: VKGL Data-share Consensus. Not counted in ClinVar's aggregate classification.